The following is an entry in ClinVar:

ClinVar aggregate classification (germline): Uncertain significance (1 of 4 stars; one submission).

Conditions:
Landau-Kleffner syndrome (FESD). Also called: EPILEPSY, FOCAL, WITH SPEECH DISORDER AND WITH OR WITHOUT MENTAL RETARDATION; APHASIA, ACQUIRED, WITH EPILEPSY. Identifiers: Orphanet 1945, Orphanet 725, Orphanet 98818, MedGen C0282512, MONDO:0009509, OMIM 245570.

gnomAD v4.1: 2 of 1,614,044 alleles (0.00012%); highest among the groups gnomAD compares: Non-Finnish European, 0.00017%; no homozygotes.

Submission:

Labcorp Genetics (formerly Invitae), Labcorp
Classification: Uncertain significance for Landau-Kleffner syndrome. Last evaluated: 2024-07-06. Review status: criteria provided, single submitter. Criteria: Invitae Variant Classification Sherloc (09022015). Collection method: clinical testing. Allele origin: germline.
Comment: This sequence change replaces arginine, which is basic and polar, with lysine, which is basic and polar, at codon 1406 of the GRIN2A protein (p.Arg1406Lys). This variant is not present in population databases (gnomAD no frequency). This variant has not been reported in the literature in individuals affected with GRIN2A-related conditions. Advanced modeling of protein sequence and biophysical properties (such as structural, functional, and spatial information, amino acid conservation, physicochemical variation, residue mobility, and thermodynamic stability) performed at Invitae indicates that this missense variant is not expected to disrupt GRIN2A protein function with a negative predictive value of 95%. In summary, the available evidence is currently insufficient to determine the role of this variant in disease. Therefore, it has been classified as a Variant of Uncertain Significance.

NM_001134407.3(GRIN2A):c.4217G>A (p.Arg1406Lys)

Gene: GRIN2A (glutamate ionotropic receptor NMDA type subunit 2A; minus strand). Cytogenetic location: 16p13.2.
Variant type: single nucleotide variant.
Coding change: c.4217G>A on transcript NM_001134407.3 (MANE Select); coding-DNA position 4217, G replaced by A.
Protein change: p.Arg1406Lys; replaces arginine 1406 with lysine.
Molecular consequence: missense variant. On other transcripts: 3 prime UTR variant (1).
Genome position (GRCh38, 1-based): chr16:9,763,327, C>T on the plus strand (G>A on the coding strand, the complement: GRIN2A is on the minus strand). VCF-style: chr16-9763327-C-T. GRCh37 (hg19) VCF-style: chr16-9857184-C-T.
Other names: c.4217G>A, p.Arg1406Lys (NM_000833.5); c.*28G>A (NM_001134408.2); short protein forms R1406K.
Identifiers: ClinVar variation 3669515 (VCV003669515.2).